The following is an entry in ClinVar:

NM_022367.4(SEMA4A):c.1526C>G (p.Ala509Gly)

Gene: SEMA4A (semaphorin 4A; plus strand). Cytogenetic location: 1q22.
Variant type: single nucleotide variant.
Coding change: c.1526C>G on transcript NM_022367.4 (MANE Select); coding-DNA position 1526, C replaced by G.
Protein change: p.Ala509Gly; replaces alanine 509 with glycine.
Molecular consequence: missense variant.
Genome position (GRCh38, 1-based): chr1:156,175,177, C>G. VCF-style: chr1-156175177-C-G. GRCh37 (hg19) VCF-style: chr1-156144968-C-G.
Other names: c.1526C>G, p.Ala509Gly (NM_001193300.2, NM_001193301.2, NM_001370567.1); c.1130C>G, p.Ala377Gly (NM_001193302.2); c.1229C>G, p.Ala410Gly (NM_001370568.1); c.1019C>G, p.Ala340Gly (NM_001370569.1, NM_001370571.1); c.1526C>G (NM_022367.3); short protein forms A377G, A410G, A340G, A509G.
Identifiers: ClinVar variation 1959520 (VCV001959520.7), dbSNP rs749484533, ClinGen allele CA342809455.
Genomic context (GRCh38, chr1:156,175,177, plus strand): 5'-TCTGGAGGGTGCCCCGAGCCAACTGTAGTGTCTATGAGAGCTGTGTGGACTGTGTCCTTG[C>G]CCGGGACCCCCACTGTGCCTGGGACCCTGAGTCCCGAACCTGTTGCCTCCTGTCTGCCCC-3'
Protein context (NP_071762.2, residues 499-519): VYESCVDCVL[Ala509Gly]RDPHCAWDPE

ClinVar aggregate classification (germline): Uncertain significance. Review status: criteria provided, multiple submitters, no conflicts (2 of 4 stars). 3 submissions from 3 submitters: Uncertain significance (3). Last evaluated 2025-12-11.

Allele frequency attached by ClinVar (database versions not stated): gnomAD 0.00001.
gnomAD v4.1: 12 of 1,614,024 alleles (0.00074%); highest among the groups gnomAD compares: Admixed American, 0.0017%; no homozygotes.

Submissions (3):

Ambry Genetics
Classification: Uncertain significance. Last evaluated: 2025-12-11. Review status: criteria provided, single submitter. Criteria: Ambry Variant Classification Scheme 2023. Collection method: clinical testing. Allele origin: germline.

Blueprint Genetics
Classification: Uncertain significance. Last evaluated: 2024-10-10. Review status: criteria provided, single submitter. Criteria: ACMG Guidelines, 2015. Collection method: clinical testing. Allele origin: germline.

Labcorp Genetics (formerly Invitae), Labcorp
Classification: Uncertain significance. Last evaluated: 2022-04-18. Review status: criteria provided, single submitter. Criteria: Invitae Variant Classification Sherloc (09022015). Collection method: clinical testing. Allele origin: germline.
Comment: This sequence change replaces alanine, which is neutral and non-polar, with glycine, which is neutral and non-polar, at codon 509 of the SEMA4A protein (p.Ala509Gly). This variant is present in population databases (no rsID available, gnomAD 0.007%). This variant has not been reported in the literature in individuals affected with SEMA4A-related conditions. Algorithms developed to predict the effect of missense changes on protein structure and function are either unavailable or do not agree on the potential impact of this missense change (SIFT: "Deleterious"; PolyPhen-2: "Probably Damaging"; Align-GVGD: "Class C0"). In summary, the available evidence is currently insufficient to determine the role of this variant in disease. Therefore, it has been classified as a Variant of Uncertain Significance.